The following is an entry in ClinVar:

NM_004415.4(DSP):c.4197C>T (p.Thr1399=)

Gene: DSP (desmoplakin; plus strand). Cytogenetic location: 6p24.3.
Variant type: single nucleotide variant.
Coding change: c.4197C>T on transcript NM_004415.4 (MANE Select); coding-DNA position 4197, C replaced by T.
Protein change: p.Thr1399=; no amino-acid change (threonine 1399 retained).
Molecular consequence: synonymous variant. On other transcripts: intron variant (2).
Genome position (GRCh38, 1-based): chr6:7,580,387, C>T. VCF-style: chr6-7580387-C-T. GRCh37 (hg19) VCF-style: chr6-7580620-C-T.
Other names: c.4050+147C>T (NM_001319034.2); c.3582+615C>T (NM_001008844.3).
Identifiers: ClinVar variation 765214 (VCV000765214.10), dbSNP rs1581817166, ClinGen allele CA448714329.

ClinVar aggregate classification (germline): Likely benign. Review status: criteria provided, multiple submitters, no conflicts (2 of 4 stars). 2 submissions from 2 submitters: Likely benign (2). Last evaluated 2025-06-09.

Conditions:
Arrhythmogenic cardiomyopathy with wooly hair and keratoderma. Also called: Arrhythmogenic cardiomyopathy with woolly hair and keratoderma; Carvajal syndrome; Dilated cardiomyopathy with woolly hair and keratoderma; PALMOPLANTAR KERATODERMA WITH LEFT VENTRICULAR CARDIOMYOPATHY AND WOOLLY HAIR. Identifiers: Orphanet 65282, MedGen C1854063, MONDO:0011581, OMIM 605676.
Arrhythmogenic right ventricular dysplasia 8 (ARVD8). Also called: Arrhythmogenic Right Ventricular Dysplasia/Cardiomyopathy 8; ARRHYTHMOGENIC RIGHT VENTRICULAR DYSPLASIA, FAMILIAL, 8; ARRHYTHMOGENIC RIGHT VENTRICULAR CARDIOMYOPATHY 8. Identifiers: MedGen C1843896, MONDO:0011831, OMIM 607450.

Submissions (2):

Labcorp Genetics (formerly Invitae), Labcorp
Classification: Likely benign for Arrhythmogenic cardiomyopathy with wooly hair and keratoderma; Arrhythmogenic right ventricular dysplasia 8. Last evaluated: 2025-06-09. Review status: criteria provided, single submitter. Criteria: Invitae Variant Classification Sherloc (09022015). Collection method: clinical testing. Allele origin: germline.

All of Us Research Program, National Institutes of Health
Classification: Likely benign for Arrhythmogenic cardiomyopathy with wooly hair and keratoderma. Last evaluated: 2024-06-17. Review status: criteria provided, single submitter. Criteria: ACMG Guidelines, 2015. Collection method: clinical testing. Allele origin: germline. Inheritance: Autosomal dominant inheritance. Observed: 1 variant allele, 1 heterozygote.
Comment: This study involves interpretation of variants in research participants for the purpose of population health screening. Participant phenotype was not available at the time of variant classification. Additional details can be found in publication PMID: 35346344, PMCID: PMC8962531